The following is an entry in ClinVar:

ClinVar aggregate classification (germline): Uncertain significance. Review status: criteria provided, multiple submitters, no conflicts (2 of 4 stars). 3 submissions from 3 submitters: Uncertain significance (2). 1 of the submissions does not count toward it. Last evaluated 2024-03-01.

Conditions:
Familial long QT syndrome (RWS). Also called: Congenital long QT syndrome; Romano-Ward syndrome; VENTRICULAR FIBRILLATION WITH PROLONGED QT INTERVAL. Identifiers: Orphanet 768, MedGen C1141890, MONDO:0019171.
Short QT syndrome type 1. Identifiers: Orphanet 51083, MedGen C1865020, MONDO:0012312, OMIM 609620.
Long QT syndrome 2 (LQT2). Identifiers: Orphanet 101016, Orphanet 768, MedGen C3150943, MONDO:0013367, OMIM 613688.
Long QT syndrome (LQTS). Identifiers: MedGen C0023976, MeSH D008133, MONDO:0002442. Disease mechanism: loss of function. Inheritance: Various modes of inheritance.

Submissions (3):

Lildballe Lab, Aarhus University Hospital
Classification: Uncertain significance for Long QT syndrome. Last evaluated: 2024-03-01. Review status: criteria provided, single submitter. Criteria: ACMG Guidelines, 2015. Collection method: research. Allele origin: germline. Affected: yes.
Comment: PM2(sup), PM1(sup), PP2(sup), PP3(sup)

Juno Genomics, Hangzhou Juno Genomics, Inc
Classification: Uncertain significance for Long QT syndrome 2; Short QT syndrome type 1. Review status: criteria provided, single submitter. Criteria: ACMG Guidelines, 2015. Collection method: clinical testing. Allele origin: germline. Affected: yes.
Comment: Absent from controls (or at extremely low frequency if recessive) in Genome Aggregation Database, Exome Sequencing Project, 1000 Genomes Project, or Exome Aggregation Consortium.;Multiple lines of computational evidence support a deleterious effect on the gene or gene product (conservation, evolutionary, splicing impact, etc).;The prevalence of the variant in affected individuals is significantly increased compared to the prevalence in controls.

Cardiovascular Biomedical Research Unit, Royal Brompton & Harefield NHS Foundation Trust
No classification provided. Condition: Familial long QT syndrome. Review status: no classification provided. Collection method: literature only. Allele origin: germline. Not counted in ClinVar's aggregate classification.
Comment: This variant has been reported as associated with Long QT syndrome in the following publications (PMID:11468227;PMID:11668638;PMID:16937190). This is a literature report, and does not necessarily reflect the clinical interpretation of the Imperial College / Royal Brompton Cardiovascular Genetics laboratory.

Literature cited by the submitters: PubMed 25741885 (cited by Lildballe Lab, Aarhus University Hospital); PubMed 39481677 (cited by Lildballe Lab, Aarhus University Hospital); PubMed 11468227 (cited by Cardiovascular Biomedical Research Unit, Royal Brompton & Harefield NHS Foundation Trust); PubMed 11668638 (cited by Cardiovascular Biomedical Research Unit, Royal Brompton & Harefield NHS Foundation Trust); PubMed 16937190 (cited by Cardiovascular Biomedical Research Unit, Royal Brompton & Harefield NHS Foundation Trust); PubMed 22581653 (cited by Cardiovascular Biomedical Research Unit, Royal Brompton & Harefield NHS Foundation Trust).

NM_000238.4(KCNH2):c.287T>C (p.Ile96Thr)

Gene: KCNH2 (potassium voltage-gated channel subfamily H member 2; minus strand). Cytogenetic location: 7q36.1.
Variant type: single nucleotide variant.
Coding change: c.287T>C on transcript NM_000238.4 (MANE Select); coding-DNA position 287, T replaced by C.
Protein change: p.Ile96Thr; replaces isoleucine 96 with threonine.
Molecular consequence: missense variant.
Genome position (GRCh38, 1-based): chr7:150,974,731, A>G on the plus strand (T>C on the coding strand, the complement: KCNH2 is on the minus strand). VCF-style: chr7-150974731-A-G. GRCh37 (hg19) VCF-style: chr7-150671819-A-G.
Other names: c.287T>C (LRG_288t1); c.110T>C, p.Ile37Thr (NM_001406755.1); c.287T>C, p.Ile96Thr (NM_172056.3); short protein forms I96T, I37T.
Identifiers: ClinVar variation 67448 (VCV000067448.6), dbSNP rs199472853, ClinGen allele CA007567.